The following is an entry in ClinVar:

NM_015047.3(EMC1):c.2302C>T (p.Arg768Cys)

Genes: EMC1 (ER membrane protein complex subunit 1; minus strand), EMC1-AS1 (EMC1 antisense RNA 1; plus strand). Cytogenetic location: 1p36.13.
Variant type: single nucleotide variant.
Coding change: c.2302C>T on transcript NM_015047.3 (MANE Select); coding-DNA position 2302, C replaced by T.
Protein change: p.Arg768Cys; replaces arginine 768 with cysteine.
Molecular consequence: missense variant.
Genome position (GRCh38, 1-based): chr1:19,223,470, G>A on the plus strand (C>T on the coding strand, the complement: EMC1 is on the minus strand). VCF-style: chr1-19223470-G-A. GRCh37 (hg19) VCF-style: chr1-19549964-G-A.
Other names: c.2299C>T, p.Arg767Cys (NM_001271427.2, NM_001271428.2); c.2236C>T, p.Arg746Cys (NM_001271429.2); c.2311C>T, p.Arg771Cys (NM_001375820.1); c.2308C>T, p.Arg770Cys (NM_001375821.1); short protein forms R746C, R768C, R771C, R770C, R767C.
Identifiers: ClinVar variation 1471496 (VCV001471496.6), dbSNP rs763467427, ClinGen allele CA652326.

ClinVar aggregate classification (germline): Uncertain significance (1 of 4 stars; one submission).

Allele frequency attached by ClinVar (database versions not stated): gnomAD exomes 0.00001 and 0.00002; ExAC 0.00002; TOPMed 0.00002.
gnomAD v4.1: 24 of 1,614,110 alleles (0.0015%); highest among the groups gnomAD compares: Non-Finnish European, 0.0019%; no homozygotes.

Submission:

Labcorp Genetics (formerly Invitae), Labcorp
Classification: Uncertain significance. Last evaluated: 2025-03-04. Review status: criteria provided, single submitter. Criteria: Invitae Variant Classification Sherloc (09022015). Collection method: clinical testing. Allele origin: germline.
Comment: This sequence change replaces arginine, which is basic and polar, with cysteine, which is neutral and slightly polar, at codon 768 of the EMC1 protein (p.Arg768Cys). This variant is present in population databases (rs763467427, gnomAD 0.003%). This variant has not been reported in the literature in individuals affected with EMC1-related conditions. ClinVar contains an entry for this variant (Variation ID: 1471496). Invitae Evidence Modeling of protein sequence and biophysical properties (such as structural, functional, and spatial information, amino acid conservation, physicochemical variation, residue mobility, and thermodynamic stability) indicates that this missense variant is expected to disrupt EMC1 protein function with a positive predictive value of 80%. In summary, the available evidence is currently insufficient to determine the role of this variant in disease. Therefore, it has been classified as a Variant of Uncertain Significance.